The following is an entry in ClinVar:

ClinVar aggregate classification (germline): Uncertain significance (1 of 4 stars; one submission).

gnomAD v4.1: 34 of 1,599,368 alleles (0.0021%); highest among the groups gnomAD compares: East Asian, 0.022%; no homozygotes.

Submission:

Labcorp Genetics (formerly Invitae), Labcorp
Classification: Uncertain significance. Last evaluated: 2025-12-09. Review status: criteria provided, single submitter. Criteria: Invitae Variant Classification Sherloc (09022015). Collection method: clinical testing. Allele origin: germline.
Comment: This sequence change replaces proline, which is neutral and non-polar, with leucine, which is neutral and non-polar, at codon 916 of the TNK2 protein (p.Pro916Leu). This variant is present in population databases (rs144573163, gnomAD 0.07%), and has an allele count higher than expected for a pathogenic variant. This variant has not been reported in the literature in individuals affected with TNK2-related conditions. An algorithm developed to predict the effect of missense changes on protein structure and function (PolyPhen-2) suggests that this variant is likely to be tolerated. In summary, the available evidence is currently insufficient to determine the role of this variant in disease. Therefore, it has been classified as a Variant of Uncertain Significance.

NM_001382273.1(TNK2):c.2558C>T (p.Pro853Leu)

Gene: TNK2 (tyrosine kinase non receptor 2; minus strand). Cytogenetic location: 3q29.
Variant type: single nucleotide variant.
Coding change: c.2558C>T on transcript NM_001382273.1 (MANE Select); coding-DNA position 2558, C replaced by T.
Protein change: p.Pro853Leu; replaces proline 853 with leucine.
Molecular consequence: missense variant. On other transcripts: non-coding transcript variant (15).
Genome position (GRCh38, 1-based): chr3:195,867,740, G>A on the plus strand (C>T on the coding strand, the complement: TNK2 is on the minus strand). VCF-style: chr3-195867740-G-A. GRCh37 (hg19) VCF-style: chr3-195594611-G-A.
Other names: c.2630C>T, p.Pro877Leu (NM_001010938.2, NM_001382272.1); c.2609C>T, p.Pro870Leu (NM_001308046.2, NM_001382271.1); c.2558C>T, p.Pro853Leu (NM_001382274.1, NM_001387716.1, NM_001387717.1 and 1 more transcripts); c.2654C>T, p.Pro885Leu (NM_001382275.1, NM_001387707.1); c.2513C>T, p.Pro838Leu (NM_001386164.1, NM_001387709.1, NM_001387710.1 and 8 more transcripts); c.2585C>T, p.Pro862Leu (NM_001387708.1, NM_001387715.1); short protein forms P870L, P885L, P853L, P838L, P862L, P877L.
Identifiers: ClinVar variation 4715817 (VCV004715817.1).